The following is an entry in ClinVar:

ClinVar aggregate classification (germline): Uncertain significance. Review status: criteria provided, multiple submitters, no conflicts (2 of 4 stars). 2 submissions from 2 submitters: Uncertain significance (2). Last evaluated 2023-04-11.

Conditions:
Inborn genetic diseases. Identifiers: MedGen C0950123, MeSH D030342.

gnomAD v4.1: 6 of 1,576,996 alleles (0.00038%); highest among the groups gnomAD compares: East Asian, 0.003%; no homozygotes.

Submissions (2):

Labcorp Genetics (formerly Invitae), Labcorp
Classification: Uncertain significance. Last evaluated: 2023-04-11. Review status: criteria provided, single submitter. Criteria: Invitae Variant Classification Sherloc (09022015). Collection method: clinical testing. Allele origin: germline.
Comment: This variant is present in population databases (no rsID available, gnomAD 0.003%). This variant has not been reported in the literature in individuals affected with NEFH-related conditions. ClinVar contains an entry for this variant (Variation ID: 1788209). Advanced modeling of protein sequence and biophysical properties (such as structural, functional, and spatial information, amino acid conservation, physicochemical variation, residue mobility, and thermodynamic stability) performed at Invitae indicates that this missense variant is not expected to disrupt NEFH protein function. In summary, the available evidence is currently insufficient to determine the role of this variant in disease. Therefore, it has been classified as a Variant of Uncertain Significance. This sequence change replaces serine, which is neutral and polar, with phenylalanine, which is neutral and non-polar, at codon 746 of the NEFH protein (p.Ser746Phe).

Ambry Genetics
Classification: Uncertain significance for Inborn genetic diseases. Last evaluated: 2021-05-01. Review status: criteria provided, single submitter. Criteria: Ambry Variant Classification Scheme 2023. Collection method: clinical testing. Allele origin: germline.
Comment: The p.S746F variant (also known as c.2237C>T), located in coding exon 4 of the NEFH gene, results from a C to T substitution at nucleotide position 2237. The serine at codon 746 is replaced by phenylalanine, an amino acid with highly dissimilar properties. This amino acid position is not well conserved in available vertebrate species. In addition, the in silico prediction for this alteration is inconclusive. Since supporting evidence is limited at this time, the clinical significance of this alteration remains unclear.

NM_021076.4(NEFH):c.2237C>T (p.Ser746Phe)

Gene: NEFH (neurofilament heavy chain; plus strand). Cytogenetic location: 22q12.2.
Variant type: single nucleotide variant.
Coding change: c.2237C>T on transcript NM_021076.4 (MANE Select); coding-DNA position 2237, C replaced by T.
Protein change: p.Ser746Phe; replaces serine 746 with phenylalanine.
Molecular consequence: missense variant.
Genome position (GRCh38, 1-based): chr22:29,489,877, C>T. VCF-style: chr22-29489877-C-T. GRCh37 (hg19) VCF-style: chr22-29885866-C-T.
Other names: short protein forms S746F.
Identifiers: ClinVar variation 1788209 (VCV001788209.7), dbSNP rs995261564, ClinGen allele CA411136577.
Genomic context (GRCh38, chr22:29,489,877, plus strand): 5'-TGAAGGAAGAAGCAAAGACCCCCGAGAAGGCCAAGTCCCCAGTGAAGGAAGAAGCTAAGT[C>T]CCCAGAGAAGGCCAAGTCCCCAGAGAAGGCCAAGACTCTTGATGTGAAGTCTCCAGAAGC-3'
Protein context (NP_066554.2, residues 736-756): AKSPVKEEAK[Ser746Phe]PEKAKSPEKA